The following is an entry in ClinVar:

ClinVar aggregate classification (germline): Benign/Likely benign. Review status: criteria provided, multiple submitters, no conflicts (2 of 4 stars). 4 submissions from 4 submitters: Benign (1); Likely benign (3). Last evaluated 2025-01-23.

Conditions:
Hereditary nonpolyposis colorectal neoplasms. Identifiers: MedGen C0009405, MeSH D003123.
Hereditary cancer-predisposing syndrome. Also called: Neoplastic Syndromes, Hereditary; Tumor predisposition; Hereditary Cancer Syndrome; Hereditary neoplastic syndrome. Identifiers: Orphanet 140162, MedGen C0027672, MeSH D009386, MONDO:0015356.
Lynch syndrome 4 (LYNCH4). Also called: Colorectal cancer, hereditary nonpolyposis, type 4; Hereditary non-polyposis colorectal cancer, type 4. Identifiers: Orphanet 144, MedGen C1838333, MONDO:0013699, OMIM 614337. Disease mechanism: loss of function.
Lynch syndrome. Identifiers: Orphanet 144, MedGen C4552100, MONDO:0005835. Disease mechanism: loss of function.

Submissions (4):

Myriad Genetics, Inc.
Classification: Benign for Lynch syndrome 4. Last evaluated: 2025-01-23. Review status: criteria provided, single submitter. Criteria: Myriad Autosomal Dominant, Autosomal Recessive and X-Linked Classification Criteria (2023). Collection method: clinical testing. Allele origin: unknown.
Comment: This variant is considered benign. This variant is a silent/synonymous amino acid change and it is not expected to impact splicing.

All of Us Research Program, National Institutes of Health
Classification: Likely benign for Lynch syndrome. Last evaluated: 2023-05-04. Review status: criteria provided, single submitter. Criteria: ACMG Guidelines, 2015. Collection method: clinical testing. Allele origin: germline. Inheritance: Autosomal dominant inheritance. Observed: 1 variant allele, 1 heterozygote.
Comment: This study involves interpretation of variants in research participants for the purpose of population health screening. Participant phenotype was not available at the time of variant classification. Additional details can be found in publication PMID: 35346344, PMCID: PMC8962531

Ambry Genetics
Classification: Likely benign for Hereditary cancer-predisposing syndrome. Last evaluated: 2019-12-27. Review status: criteria provided, single submitter. Criteria: Ambry Variant Classification Scheme 2023. Collection method: clinical testing. Allele origin: germline.

Labcorp Genetics (formerly Invitae), Labcorp
Classification: Likely benign for Hereditary nonpolyposis colorectal neoplasms. Last evaluated: 2019-11-11. Review status: criteria provided, single submitter. Criteria: Invitae Variant Classification Sherloc (09022015). Collection method: clinical testing. Allele origin: germline.

NM_000535.7(PMS2):c.33T>C (p.Pro11=)

Gene: PMS2 (PMS1 homolog 2, mismatch repair system component; minus strand). Cytogenetic location: 7p22.1.
Variant type: single nucleotide variant.
Coding change: c.33T>C on transcript NM_000535.7 (MANE Select); coding-DNA position 33, T replaced by C.
Protein change: p.Pro11=; no amino-acid change (proline 11 retained).
Molecular consequence: synonymous variant. On other transcripts: 5 prime UTR variant (8), non-coding transcript variant (1), intron variant (3).
Genome position (GRCh38, 1-based): chr7:6,006,022, A>G on the plus strand (T>C on the coding strand, the complement: PMS2 is on the minus strand). VCF-style: chr7-6006022-A-G. GRCh37 (hg19) VCF-style: chr7-6045653-A-G.
Other names: c.-373T>C (NM_001322003.2, NM_001322005.2, NM_001322009.2 and 1 more transcripts); c.33T>C, p.Pro11= (NM_001322006.2, NM_001322014.2); c.-183T>C (NM_001322007.2); c.-852T>C (NM_001322011.2, NM_001322012.2); c.-452T>C (NM_001322015.2); c.-52-1964T>C (NM_001322008.2); c.-242-1964T>C (NM_001322010.2, NM_001322004.2).
Identifiers: ClinVar variation 525878 (VCV000525878.15), dbSNP rs780178572, ClinGen allele CA453650369.